The following is an entry in ClinVar:

ClinVar aggregate classification (germline): Likely benign. Review status: criteria provided, multiple submitters, no conflicts (2 of 4 stars). 3 submissions from 3 submitters: Likely benign (3). Last evaluated 2025-06-06.

Conditions:
Nephronophthisis. Also called: Juvenile Nephronophthisis. Identifiers: Orphanet 655, MedGen C0687120, MONDO:0019005, HP:0000090.
NPHP3-related disorder. Also called: NPHP3-related condition; NPHP3-related disorders. Identifiers: MedGen CN379163.

Allele frequency attached by ClinVar (database versions not stated): ExAC 0.00001; gnomAD exomes 0.00002; TOPMed 0.00002.
gnomAD v4.1: 29 of 1,595,512 alleles (0.0018%); highest among the groups gnomAD compares: Non-Finnish European, 0.0021%; no homozygotes.

Submissions (3):

PreventionGenetics, part of Exact Sciences
Classification: Likely benign for NPHP3-related condition. Last evaluated: 2025-06-06. Review status: criteria provided, single submitter. Criteria: ACMG Guidelines, 2015. Collection method: clinical testing. Allele origin: germline.
Comment: This variant is classified as likely benign based on ACMG/AMP sequence variant interpretation guidelines (Richards et al. 2015 PMID: 25741868, with internal and published modifications).

Labcorp Genetics (formerly Invitae), Labcorp
Classification: Likely benign for Nephronophthisis. Last evaluated: 2024-08-13. Review status: criteria provided, single submitter. Criteria: Invitae Variant Classification Sherloc (09022015). Collection method: clinical testing. Allele origin: germline.

Blueprint Genetics
Classification: Likely benign. Last evaluated: 2023-02-24. Review status: criteria provided, single submitter. Criteria: ACMG Guidelines, 2015. Collection method: clinical testing. Allele origin: germline.

NM_153240.5(NPHP3):c.1026A>G (p.Pro342=)

Genes: NPHP3 (nephrocystin 3; minus strand), NPHP3-ACAD11 (NPHP3-ACAD11 readthrough (NMD candidate); minus strand). Cytogenetic location: 3q22.1.
Variant type: single nucleotide variant.
Coding change: c.1026A>G on transcript NM_153240.5 (MANE Select); coding-DNA position 1026, A replaced by G.
Protein change: p.Pro342=; no amino-acid change (proline 342 retained).
Molecular consequence: synonymous variant. On other transcripts: non-coding transcript variant (1).
Genome position (GRCh38, 1-based): chr3:132,713,218, T>C on the plus strand (A>G on the coding strand, the complement: NPHP3 is on the minus strand). VCF-style: chr3-132713218-T-C. GRCh37 (hg19) VCF-style: chr3-132432062-T-C.
Other names: c.1026A>G (NM_153240.4).
Identifiers: ClinVar variation 2056125 (VCV002056125.6), dbSNP rs201107760, ClinGen allele CA2622432.